The following is an entry in ClinVar:

ClinVar aggregate classification (germline): Conflicting classifications of pathogenicity. Review status: criteria provided, conflicting classifications (1 of 4 stars). 10 submissions from 10 submitters: Uncertain significance (1); Benign (1); Likely benign (5). 3 of the submissions do not count toward it. Last evaluated 2026-06-30.

Conditions:
HCN4-related disorder. Also called: HCN4-related condition.
Cardiovascular phenotype. Identifiers: MedGen CN230736.
Cardiomyopathy (CMYO). Also called: Cardiomyopathies. Identifiers: Orphanet 167848, MedGen C0878544, MONDO:0004994, HP:0001638. Inheritance: Various modes of inheritance.
Brugada syndrome 8 (BRGDA8). Identifiers: Orphanet 130, MedGen C2751083, MONDO:0013148, OMIM 613123.

Allele frequency attached by ClinVar (database versions not stated): 1000 Genomes Project 0.00060; ESP Exome Variant Server 0.00076; gnomAD exomes 0.00019 and 0.00007; ExAC 0.00035; gnomAD 0.00076 and 0.00084; 1000 Genomes Project 30x 0.00047; TOPMed 0.00075.
gnomAD v4.1: 223 of 1,576,382 alleles (0.014%); highest among the groups gnomAD compares: African/African-American, 0.26%; 1 homozygote.

Submissions (10):

Women's Health and Genetics/Laboratory Corporation of America, LabCorp
Classification: Likely benign. Last evaluated: 2026-06-30. Review status: criteria provided, single submitter. Criteria: LabCorp Variant Classification Summary - May 2015. Collection method: clinical testing. Allele origin: germline.

Labcorp Genetics (formerly Invitae), Labcorp
Classification: Likely benign for Brugada syndrome 8. Last evaluated: 2026-01-14. Review status: criteria provided, single submitter. Criteria: Invitae Variant Classification Sherloc (09022015). Collection method: clinical testing. Allele origin: germline.

Molecular Diagnostic Laboratory for Inherited Cardiovascular Disease, Montreal Heart Institute
Classification: Likely benign. Last evaluated: 2025-04-09. Review status: criteria provided, single submitter. Criteria: ACMG Guidelines, 2015. Collection method: clinical testing. Allele origin: germline. Affected: no.

Ambry Genetics
Classification: Likely benign for Cardiovascular phenotype. Last evaluated: 2022-09-14. Review status: criteria provided, single submitter. Criteria: Ambry Variant Classification Scheme 2023. Collection method: clinical testing. Allele origin: germline.

GeneDx
Classification: Likely benign. Last evaluated: 2021-06-21. Review status: criteria provided, single submitter. Criteria: GeneDx Variant Classification Process June 2021. Collection method: clinical testing. Allele origin: germline. Affected: yes.
Comment: This variant is associated with the following publications: (PMID: 26582918)

Center for Advanced Laboratory Medicine, UC San Diego Health, University of California San Diego
Classification: Benign for Cardiomyopathy. Last evaluated: 2019-06-03. Review status: criteria provided, single submitter. Criteria: ACMG Guidelines, 2015. Collection method: clinical testing. Allele origin: germline. Affected: yes. Observed: 1 variant allele.

Eurofins Ntd Llc (ga)
Classification: Uncertain significance. Last evaluated: 2016-09-06. Review status: criteria provided, single submitter. Criteria: EGL Classification Definitions 2015. Collection method: clinical testing. Allele origin: germline. Observed: 1 variant allele, 1 heterozygote.

PreventionGenetics, part of Exact Sciences
Classification: Likely benign for HCN4-related condition. Last evaluated: 2023-11-14. Review status: no assertion criteria provided. Collection method: clinical testing. Allele origin: germline. Not counted in ClinVar's aggregate classification.
Comment: This variant is classified as likely benign based on ACMG/AMP sequence variant interpretation guidelines (Richards et al. 2015 PMID: 25741868, with internal and published modifications).

Clinical Genetics DNA and cytogenetics Diagnostics Lab, Erasmus MC, Erasmus Medical Center
Classification: Likely benign. Review status: no assertion criteria provided. Collection method: clinical testing. Allele origin: germline. Affected: yes. Study: VKGL Data-share Consensus. Not counted in ClinVar's aggregate classification.

Clinical Genetics, Academic Medical Center
Classification: Likely benign. Review status: no assertion criteria provided. Collection method: clinical testing. Allele origin: germline. Affected: yes. Study: VKGL Data-share Consensus. Not counted in ClinVar's aggregate classification.

NM_005477.3(HCN4):c.3010C>T (p.Pro1004Ser)

Gene: HCN4 (hyperpolarization activated cyclic nucleotide gated potassium channel 4; minus strand). Cytogenetic location: 15q24.1.
Variant type: single nucleotide variant.
Coding change: c.3010C>T on transcript NM_005477.3 (MANE Select); coding-DNA position 3010, C replaced by T.
Protein change: p.Pro1004Ser; replaces proline 1004 with serine.
Molecular consequence: missense variant.
Genome position (GRCh38, 1-based): chr15:73,323,083, G>A on the plus strand (C>T on the coding strand, the complement: HCN4 is on the minus strand). VCF-style: chr15-73323083-G-A. GRCh37 (hg19) VCF-style: chr15-73615424-G-A.
Other names: short protein forms P1004S.
Identifiers: ClinVar variation 291134 (VCV000291134.26), dbSNP rs201418838, ClinGen allele CA7648905.